The following is an entry in ClinVar:

NM_001378030.1(CCDC78):c.467A>G (p.Asn156Ser)

Gene: CCDC78 (coiled-coil domain containing 78; minus strand). Cytogenetic location: 16p13.3.
Variant type: single nucleotide variant.
Coding change: c.467A>G on transcript NM_001378030.1 (MANE Select); coding-DNA position 467, A replaced by G.
Protein change: p.Asn156Ser; replaces asparagine 156 with serine.
Molecular consequence: missense variant. On other transcripts: non-coding transcript variant (5).
Genome position (GRCh38, 1-based): chr16:725,262, T>C on the plus strand (A>G on the coding strand, the complement: CCDC78 is on the minus strand). VCF-style: chr16-725262-T-C. GRCh37 (hg19) VCF-style: chr16-775262-T-C.
Other names: c.467A>G, p.Asn156Ser (NM_001031737.3, NM_001378031.1); c.14A>G, p.Asn5Ser (NM_001378033.1); short protein forms N156S, N5S.
Identifiers: ClinVar variation 1378811 (VCV001378811.6), dbSNP rs2151564305, ClinGen allele CA394103176.
Genomic context (GRCh38, chr16:725,262, plus strand): 5'-GCCCTCTCCCCTGAGCTAGGTGGCTGCACACTCACGCCGCTCCCCAGCCTGTGCTGCTCA[T>C]TCTCGGGGTTCATGGTGTTCTTGGGCTGCACCTGAATGGAAGGGAGGGCAGGGAAAGCTA-3'
Protein context (NP_001364959.1, residues 146-166): VQPKNTMNPE[Asn156Ser]EQHRLGSGLQ

ClinVar aggregate classification (germline): Uncertain significance (1 of 4 stars; one submission).

Conditions:
Congenital myopathy with internal nuclei and atypical cores. Also called: Myopathy, centronuclear, 4. Identifiers: Orphanet 319160, MedGen C4707232, MONDO:0013890, OMIM 614807.

Submission:

Labcorp Genetics (formerly Invitae), Labcorp
Classification: Uncertain significance for Congenital myopathy with internal nuclei and atypical cores. Last evaluated: 2024-02-17. Review status: criteria provided, single submitter. Criteria: Invitae Variant Classification Sherloc (09022015). Collection method: clinical testing. Allele origin: germline.
Comment: This sequence change replaces asparagine, which is neutral and polar, with serine, which is neutral and polar, at codon 156 of the CCDC78 protein (p.Asn156Ser). This variant is not present in population databases (gnomAD no frequency). This variant has not been reported in the literature in individuals affected with CCDC78-related conditions. ClinVar contains an entry for this variant (Variation ID: 1378811). Advanced modeling of protein sequence and biophysical properties (such as structural, functional, and spatial information, amino acid conservation, physicochemical variation, residue mobility, and thermodynamic stability) performed at Invitae indicates that this missense variant is not expected to disrupt CCDC78 protein function with a negative predictive value of 80%. In summary, the available evidence is currently insufficient to determine the role of this variant in disease. Therefore, it has been classified as a Variant of Uncertain Significance.